The following is an entry in ClinVar:

NM_024334.3(TMEM43):c.162+147C>T

Gene: TMEM43 (transmembrane protein 43; plus strand). Cytogenetic location: 3p25.1.
Variant type: single nucleotide variant.
Coding change: c.162+147C>T on transcript NM_024334.3 (MANE Select); 147 bases into the intron after coding-DNA position 162, C replaced by T.
Molecular consequence: intron variant.
Genome position (GRCh38, 1-based): chr3:14,129,708, C>T. VCF-style: chr3-14129708-C-T. GRCh37 (hg19) VCF-style: chr3-14171208-C-T.
Identifiers: ClinVar variation 674300 (VCV000674300.2), dbSNP rs11711816, ClinGen allele CA69728619.

ClinVar aggregate classification (germline): Benign. Review status: criteria provided, multiple submitters, no conflicts (2 of 4 stars). 2 submissions from 2 submitters: Benign (2). Last evaluated 2018-06-14.

Allele frequency attached by ClinVar (database versions not stated): 1000 Genomes Project 0.01078; 1000 Genomes Project 30x 0.01124; TOPMed 0.01850; gnomAD 0.02392 and 0.02450; gnomAD exomes 0.02899.

Submissions (2):

GeneDx
Classification: Benign. Last evaluated: 2018-06-14. Review status: criteria provided, single submitter. Criteria: GeneDx Variant Classification (06012015). Collection method: clinical testing. Allele origin: germline. Affected: yes.
Comment: This variant is considered likely benign or benign based on one or more of the following criteria: it is a conservative change, it occurs at a poorly conserved position in the protein, it is predicted to be benign by multiple in silico algorithms, and/or has population frequency not consistent with disease.

Breakthrough Genomics
Classification: Benign. Review status: criteria provided, single submitter. Criteria: ACMG Guidelines, 2015. Collection method: not provided. Allele origin: germline. Inheritance: Autosomal dominant inheritance. Affected: yes.